The following is an entry in ClinVar:

NM_001369.3(DNAH5):c.8396G>A (p.Arg2799Gln)

Gene: DNAH5 (dynein axonemal heavy chain 5; minus strand). Cytogenetic location: 5p15.2.
Variant type: single nucleotide variant.
Coding change: c.8396G>A on transcript NM_001369.3 (MANE Select); coding-DNA position 8396, G replaced by A.
Protein change: p.Arg2799Gln; replaces arginine 2799 with glutamine.
Molecular consequence: missense variant.
Genome position (GRCh38, 1-based): chr5:13,792,046, C>T on the plus strand (G>A on the coding strand, the complement: DNAH5 is on the minus strand). VCF-style: chr5-13792046-C-T. GRCh37 (hg19) VCF-style: chr5-13792155-C-T.
Other names: short protein forms R2799Q.
Identifiers: ClinVar variation 869380 (VCV000869380.10), dbSNP rs1182948401, ClinGen allele CA359219019.
Genomic context (GRCh38, chr5:13,792,046, plus strand): 5'-TCACTTACATTTGGTTCCTTGATGACCTCTGAAGTAGTGTTCAGCATTCCCTGCCAGACC[C>T]GAGAAAGATCTCGTAGGTTAAACACATAATGGAATTTTGCAGGGGTAGGAAGCATTTTAA-3'
Protein context (NP_001360.1, residues 2789-2809): HYVFNLRDLS[Arg2799Gln]VWQGMLNTTS

ClinVar aggregate classification (germline): Conflicting classifications of pathogenicity. Review status: criteria provided, conflicting classifications (1 of 4 stars). 4 submissions from 4 submitters: Likely pathogenic (1); Uncertain significance (3). Last evaluated 2026-02-10.

Conditions:
Primary ciliary dyskinesia. Also called: Ciliary dyskinesia. Identifiers: Orphanet 244, MedGen C0008780, MONDO:0016575, HP:0012265.
Primary ciliary dyskinesia 3. Identifiers: Orphanet 244, MedGen C1837618, MONDO:0012085, OMIM 608644.

Allele frequency attached by ClinVar (database versions not stated): gnomAD exomes below 0.00001; gnomAD 0.00001.
gnomAD v4.1: 6 of 1,613,840 alleles (0.00037%); highest among the groups gnomAD compares: East Asian, 0.0045%; no homozygotes.

Submissions (4):

Ambry Genetics
Classification: Uncertain significance for Primary ciliary dyskinesia. Last evaluated: 2026-02-10. Review status: criteria provided, single submitter. Criteria: Ambry Variant Classification Scheme 2023. Collection method: clinical testing. Allele origin: germline.
Comment: The p.R2799Q variant (also known as c.8396G>A), located in coding exon 50 of the DNAH5 gene, results from a G to A substitution at nucleotide position 8396. The arginine at codon 2799 is replaced by glutamine, an amino acid with highly similar properties. A different alteration located at the same position, p.R2799P (c.8396G>C), was detected in conjunction with DNAH5 p.P3606Hfs*23 in an individual with situs inversus, rhinorrhea, daily wet cough, sinusitis, otitis media, immotile cilia on high speed videomicroscropy, and outer dynein arm defect on transmission electron microscopy (Djakow J et al. Pediatr. Pulmonol., 2012 Sep;47:864-75; Djakow J et al. Pediatr. Pulmonol., 2016 May;51:498-509). This amino acid position is highly conserved in available vertebrate species. In addition, the in silico prediction for this alteration is inconclusive. Since supporting evidence is limited at this time, the clinical significance of this alteration remains unclear.

Labcorp Genetics (formerly Invitae), Labcorp
Classification: Uncertain significance for Primary ciliary dyskinesia. Last evaluated: 2025-05-28. Review status: criteria provided, single submitter. Criteria: Invitae Variant Classification Sherloc (09022015). Collection method: clinical testing. Allele origin: germline.
Comment: This sequence change replaces arginine, which is basic and polar, with glutamine, which is neutral and polar, at codon 2799 of the DNAH5 protein (p.Arg2799Gln). This variant is present in population databases (no rsID available, gnomAD 0.005%). This variant has not been reported in the literature in individuals affected with DNAH5-related conditions. ClinVar contains an entry for this variant (Variation ID: 869380). Invitae Evidence Modeling of protein sequence and biophysical properties (such as structural, functional, and spatial information, amino acid conservation, physicochemical variation, residue mobility, and thermodynamic stability) indicates that this missense variant is not expected to disrupt DNAH5 protein function with a negative predictive value of 95%. In summary, the available evidence is currently insufficient to determine the role of this variant in disease. Therefore, it has been classified as a Variant of Uncertain Significance.

Illumina Laboratory Services, Illumina
Classification: Uncertain significance for Primary ciliary dyskinesia 3. Last evaluated: 2018-01-13. Review status: criteria provided, single submitter. Criteria: ICSL Variant Classification Criteria 13 December 2019. Collection method: clinical testing. Allele origin: germline.

Biology Pathology Center, Lille University Hospital
Classification: Likely pathogenic for Primary ciliary dyskinesia 3. Review status: criteria provided, single submitter. Criteria: ACMG Guidelines, 2015. Collection method: clinical testing. Allele origin: maternal. Inheritance: Autosomal recessive inheritance. Affected: yes. Observed: 4 variant alleles, 1 heterozygote, 3 compound heterozygotes. Clinical features observed: Bronchiectasis.

Literature cited by the submitters: PubMed 22416021 (cited by Ambry Genetics); PubMed 26228299 (cited by Ambry Genetics).